The following is an entry in ClinVar:

ClinVar aggregate classification (germline): Benign/Likely benign. Review status: criteria provided, multiple submitters, no conflicts (2 of 4 stars). 3 submissions from 3 submitters: Benign (1); Likely benign (2). Last evaluated 2025-12-10.

Conditions:
Oligodontia-cancer predisposition syndrome. Also called: TOOTH AGENESIS-COLORECTAL CANCER SYNDROME. Identifiers: Orphanet 300576, MedGen C1837750, MONDO:0012075, OMIM 608615. Disease mechanism: loss of function.
Hereditary cancer-predisposing syndrome. Also called: Hereditary neoplastic syndrome; Hereditary Cancer Syndrome; Tumor predisposition; Neoplastic Syndromes, Hereditary. Identifiers: Orphanet 140162, MedGen C0027672, MeSH D009386, MONDO:0015356.

Submissions (3):

Ambry Genetics
Classification: Likely benign for Hereditary cancer-predisposing syndrome. Last evaluated: 2025-12-10. Review status: criteria provided, single submitter. Criteria: Ambry Variant Classification Scheme 2023. Collection method: clinical testing. Allele origin: germline.

Myriad Genetics, Inc.
Classification: Benign for Oligodontia-cancer predisposition syndrome. Last evaluated: 2024-07-09. Review status: criteria provided, single submitter. Criteria: Myriad Autosomal Dominant, Autosomal Recessive and X-Linked Classification Criteria (2023). Collection method: clinical testing. Allele origin: unknown.
Comment: This variant is considered benign. This variant is a silent/synonymous amino acid change and it is not expected to impact splicing.

Labcorp Genetics (formerly Invitae), Labcorp
Classification: Likely benign for Oligodontia-cancer predisposition syndrome. Last evaluated: 2024-06-08. Review status: criteria provided, single submitter. Criteria: Invitae Variant Classification Sherloc (09022015). Collection method: clinical testing. Allele origin: germline.

NM_004655.4(AXIN2):c.2080C>T (p.Leu694=)

Gene: AXIN2 (axin 2; minus strand). Cytogenetic location: 17q24.1.
Variant type: single nucleotide variant.
Coding change: c.2080C>T on transcript NM_004655.4 (MANE Select); coding-DNA position 2080, C replaced by T.
Protein change: p.Leu694=; no amino-acid change (leucine 694 retained).
Molecular consequence: synonymous variant.
Genome position (GRCh38, 1-based): chr17:65,536,381, G>A on the plus strand (C>T on the coding strand, the complement: AXIN2 is on the minus strand). VCF-style: chr17-65536381-G-A. GRCh37 (hg19) VCF-style: chr17-63532499-G-A.
Other names: c.2080C>T (NM_004655.3); c.1885C>T, p.Leu629= (NM_001363813.1).
Identifiers: ClinVar variation 1126773 (VCV001126773.11), dbSNP rs1325648219, ClinGen allele CA501690912.
Genomic context (GRCh38, chr17:65,536,381, plus strand): 5'-GCTGCTTTGGGGGCTTCGACACCTCAGCTAGCCTGCGACAGGCCTCCTCCAGCTGAGCCA[G>A]CGTGTTGGGTGGGGTCAGGGGAGGCATCGCAGGGTCCTGGGTGAACAGGTGGGCACGGGG-3'
Protein context (NP_004646.3, residues 684-704): AMPPLTPPNT[Leu694=]AQLEEACRRL